The following is an entry in ClinVar:

ClinVar aggregate classification (germline): Uncertain significance (1 of 4 stars; one submission).

Conditions:
Epileptic encephalopathy. Identifiers: MedGen C0543888, HP:0200134.

Submission:

Labcorp Genetics (formerly Invitae), Labcorp
Classification: Uncertain significance for Epileptic encephalopathy. Last evaluated: 2023-09-06. Review status: criteria provided, single submitter. Criteria: Invitae Variant Classification Sherloc (09022015). Collection method: clinical testing. Allele origin: germline.
Comment: This sequence change replaces proline, which is neutral and non-polar, with serine, which is neutral and polar, at codon 18 of the GABBR2 protein (p.Pro18Ser). The frequency data for this variant in the population databases is considered unreliable, as metrics indicate insufficient coverage at this position in the gnomAD database. This variant has not been reported in the literature in individuals affected with GABBR2-related conditions. Experimental studies and prediction algorithms are not available or were not evaluated, and the functional significance of this variant is currently unknown. In summary, the available evidence is currently insufficient to determine the role of this variant in disease. Therefore, it has been classified as a Variant of Uncertain Significance.

NM_005458.8(GABBR2):c.52C>T (p.Pro18Ser)

Gene: GABBR2 (gamma-aminobutyric acid type B receptor subunit 2; minus strand). Cytogenetic location: 9q22.33.
Variant type: single nucleotide variant.
Coding change: c.52C>T on transcript NM_005458.8 (MANE Select); coding-DNA position 52, C replaced by T.
Protein change: p.Pro18Ser; replaces proline 18 with serine.
Molecular consequence: missense variant.
Genome position (GRCh38, 1-based): chr9:98,708,686, G>A on the plus strand (C>T on the coding strand, the complement: GABBR2 is on the minus strand). VCF-style: chr9-98708686-G-A. GRCh37 (hg19) VCF-style: chr9-101470968-G-A.
Other names: short protein forms P18S.
Identifiers: ClinVar variation 2757964 (VCV002757964.3), dbSNP rs1830937050, ClinGen allele CA374212930.
Genomic context (GRCh38, chr9:98,708,686, plus strand): 5'-CGGGCGCCAGAGGCAGCAGCAGCGGCAGCAGCAGTAGCAGTAGCAGGCGCGCGGGCGGCG[G>A]TGGCGGCGGCGGCGGCGGCCCGGGCTGCCCGGAGCTCCGCGGGGAAGCCATGCCGCGCCG-3'
Protein context (NP_005449.5, residues 8-28): GQPGPPPPPP[Pro18Ser]PPARLLLLLL